The following is an entry in ClinVar:

ClinVar aggregate classification (germline): Uncertain significance. Review status: criteria provided, multiple submitters, no conflicts (2 of 4 stars). 2 submissions from 2 submitters: Uncertain significance (2). Last evaluated 2021-08-27.

Conditions:
Larsen-like syndrome, B3GAT3 type. Also called: MULTIPLE JOINT DISLOCATIONS, SHORT STATURE, AND CRANIOFACIAL DYSMORPHISM WITH OR WITHOUT CONGENITAL HEART DEFECTS; Multiple joint dislocations, short stature, craniofacial dysmorphism, with or without congenital heart defects. Identifiers: Orphanet 284139, MedGen CN034159, MONDO:0009511, OMIM 245600.

Allele frequency attached by ClinVar (database versions not stated): gnomAD exomes 0.00001 and 0.00002; ExAC 0.00002; TOPMed 0.00003; gnomAD 0.00004.
gnomAD v4.1: 26 of 1,611,814 alleles (0.0016%); highest among the groups gnomAD compares: Non-Finnish European, 0.0021%; no homozygotes.

Submissions (2):

Labcorp Genetics (formerly Invitae), Labcorp
Classification: Uncertain significance for Larsen-like syndrome, B3GAT3 type. Last evaluated: 2021-08-27. Review status: criteria provided, single submitter. Criteria: Invitae Variant Classification Sherloc (09022015). Collection method: clinical testing. Allele origin: germline.
Comment: This sequence change replaces proline with leucine at codon 35 of the B3GAT3 protein (p.Pro35Leu). The proline residue is moderately conserved and there is a moderate physicochemical difference between proline and leucine. This variant is present in population databases (rs762438326, ExAC 0.01%). This variant has not been reported in the literature in individuals affected with B3GAT3-related conditions. Algorithms developed to predict the effect of missense changes on protein structure and function (SIFT, PolyPhen-2, Align-GVGD) all suggest that this variant is likely to be tolerated. In summary, the available evidence is currently insufficient to determine the role of this variant in disease. Therefore, it has been classified as a Variant of Uncertain Significance.

GeneDx
Classification: Uncertain significance. Last evaluated: 2019-09-12. Review status: criteria provided, single submitter. Criteria: GeneDx Variant Classification Process June 2021. Collection method: clinical testing. Allele origin: germline. Affected: yes.
Comment: Not observed at a significant frequency in large population cohorts (Lek et al., 2016); In silico analysis, which includes protein predictors and evolutionary conservation, supports that this variant does not alter protein structure/function; Has not been previously published as pathogenic or benign to our knowledge

NM_012200.4(B3GAT3):c.104C>T (p.Pro35Leu)

Gene: B3GAT3 (beta-1,3-glucuronyltransferase 3; minus strand). Cytogenetic location: 11q12.3.
Variant type: single nucleotide variant.
Coding change: c.104C>T on transcript NM_012200.4 (MANE Select); coding-DNA position 104, C replaced by T.
Protein change: p.Pro35Leu; replaces proline 35 with leucine.
Molecular consequence: missense variant. On other transcripts: non-coding transcript variant (1).
Genome position (GRCh38, 1-based): chr11:62,620,650, G>A on the plus strand (C>T on the coding strand, the complement: B3GAT3 is on the minus strand). VCF-style: chr11-62620650-G-A. GRCh37 (hg19) VCF-style: chr11-62388122-G-A.
Other names: c.83C>T, p.Pro28Leu (NM_001288721.2); c.104C>T, p.Pro35Leu (NM_001288722.2, NM_001288723.2); short protein forms P28L, P35L.
Identifiers: ClinVar variation 1195832 (VCV001195832.7), dbSNP rs762438326, ClinGen allele CA6050214.